The following is an entry in ClinVar:

ClinVar aggregate classification (germline): Pathogenic (1 of 4 stars; one submission).

Conditions:
Danon disease. Also called: PSEUDOGLYCOGENOSIS II; GSD IIb; LYSOSOMAL GLYCOGEN STORAGE DISEASE WITHOUT ACID MALTASE DEFICIENCY; ANTOPOL DISEASE; Glycogen Storage Disease Type IIb. Identifiers: Orphanet 34587, MedGen C0878677, MONDO:0010281, OMIM 300257.

Submission:

Labcorp Genetics (formerly Invitae), Labcorp
Classification: Pathogenic for Danon disease. Last evaluated: 2024-10-28. Review status: criteria provided, single submitter. Criteria: Invitae Variant Classification Sherloc (09022015). Collection method: clinical testing. Allele origin: germline.
Comment: This sequence change creates a premature translational stop signal (p.His260Profs*22) in the LAMP2 gene. It is expected to result in an absent or disrupted protein product. Loss-of-function variants in LAMP2 are known to be pathogenic (PMID: 21415759). This variant is not present in population databases (gnomAD no frequency). This variant has not been reported in the literature in individuals affected with LAMP2-related conditions. For these reasons, this variant has been classified as Pathogenic.

Literature cited by the submitters: PubMed 21415759.

NM_002294.3(LAMP2):c.779_782del (p.His260fs)

Gene: LAMP2 (lysosome associated membrane protein 2; minus strand). Cytogenetic location: Xq24.
Variant type: Microsatellite.
Coding change: c.779_782del on transcript NM_002294.3 (MANE Select); coding-DNA positions 779 to 782, 4 bases deleted (ACTC; older notation c.779_782delACTC).
Protein change: p.His260fs; shifts the reading frame from histidine 260.
Molecular consequence: frameshift variant.
Genome position (GRCh38, 1-based): chrX:120,446,387-120,446,390, GAGT deleted on the plus strand (ACTC on the coding strand, the reverse complement: LAMP2 is on the minus strand); deleting any 4 consecutive bases within chrX:120,446,387-120,446,394 gives the same sequence; the c. name uses the placement nearest the transcript's 3' end. VCF-style (leftmost placement, unchanged base first): chrX-120446386-GGAGT-G. GRCh37 (hg19) VCF-style: chrX-119580241-GGAGT-G.
Other names: c.779_782del, p.His260fs (NM_001122606.1, NM_013995.2); short protein forms H260fs.
Identifiers: ClinVar variation 3723934 (VCV003723934.2).
Genomic context (GRCh38, chrX:120,446,386, plus strand): 5'-ATACTTAATGGTGCTGCTATTGAGTCTAAGTAGAGCAGTGTGAGAACGGCAGCTGCCTGT[GGAGT>G]GAGTTGTATTGGGGTTGATGTTAATAACTGAAGCAACCTTCAGGAGAAGAAGAAAGGGAA-3'